The following is an entry in ClinVar:

ClinVar aggregate classification (germline): Uncertain significance (1 of 4 stars; one submission).

gnomAD v4.1: 1 of 1,577,402 alleles (0.000063%); highest among the groups gnomAD compares: Non-Finnish European, 0.000086%; no homozygotes.

Submission:

Labcorp Genetics (formerly Invitae), Labcorp
Classification: Uncertain significance. Last evaluated: 2025-06-12. Review status: criteria provided, single submitter. Criteria: Invitae Variant Classification Sherloc (09022015). Collection method: clinical testing. Allele origin: germline.
Comment: This sequence change replaces alanine, which is neutral and non-polar, with threonine, which is neutral and polar, at codon 858 of the SLIT2 protein (p.Ala858Thr). This variant is not present in population databases (gnomAD no frequency). This variant has not been reported in the literature in individuals affected with SLIT2-related conditions. ClinVar contains an entry for this variant (Variation ID: 3650244). An algorithm developed to predict the effect of missense changes on protein structure and function (PolyPhen-2) suggests that this variant is likely to be disruptive. In summary, the available evidence is currently insufficient to determine the role of this variant in disease. Therefore, it has been classified as a Variant of Uncertain Significance.

NM_004787.4(SLIT2):c.2572G>A (p.Ala858Thr)

Gene: SLIT2 (slit guidance ligand 2; plus strand). Cytogenetic location: 4p15.31.
Variant type: single nucleotide variant.
Coding change: c.2572G>A on transcript NM_004787.4 (MANE Select); coding-DNA position 2572, G replaced by A.
Protein change: p.Ala858Thr; replaces alanine 858 with threonine.
Molecular consequence: missense variant.
Genome position (GRCh38, 1-based): chr4:20,553,815, G>A. VCF-style: chr4-20553815-G-A. GRCh37 (hg19) VCF-style: chr4-20555438-G-A.
Other names: c.2560G>A, p.Ala854Thr (NM_001289135.3); c.2548G>A, p.Ala850Thr (NM_001289136.3); short protein forms A850T, A858T, A854T.
Identifiers: ClinVar variation 3650244 (VCV003650244.2).
Genomic context (GRCh38, chr4:20,553,815, plus strand): 5'-GTATGTGTGTGTGTGTATGTGTGTGTGCTTCTGTGGTGTTGTTTTTCCAGAGCAATTGGA[G>A]CCAACCCTCTTTACTGTGATTGTAACATGCAGTGGTTATCCGACTGGGTGAAGTCGGAAT-3'
Protein context (NP_004778.1, residues 848-868): LSALSHLAIG[Ala858Thr]NPLYCDCNMQ